The following is an entry in ClinVar:

ClinVar aggregate classification (germline): Pathogenic (1 of 4 stars; one submission).

Conditions:
Kabuki syndrome 2 (KABUK2). Also called: KDM6A-Related Kabuki Syndrome. Identifiers: Orphanet 2322, MedGen C3275495, MONDO:0010465, OMIM 300867.

Submission:

Juno Genomics, Hangzhou Juno Genomics, Inc
Classification: Pathogenic for Kabuki syndrome 2. Review status: criteria provided, single submitter. Criteria: ACMG Guidelines, 2015. Collection method: clinical testing. Allele origin: germline. Affected: yes.
Comment: Absent from controls (or at extremely low frequency if recessive) in Genome Aggregation Database, Exome Sequencing Project, 1000 Genomes Project, or Exome Aggregation Consortium.;Null variant in a gene where loss of function (LOF) is a known mechanism of disease.;De novo (both maternity and paternity confirmed) in a patient with the disease and no family history.

NM_001291415.2(KDM6A):c.2951dup (p.Asp986fs)

Gene: KDM6A (lysine demethylase 6A; plus strand). Cytogenetic location: Xp11.3.
Variant type: Duplication.
Coding change: c.2951dup on transcript NM_001291415.2 (MANE Select); coding-DNA position 2951, one base duplicated (C; older notation c.2951dupC).
Protein change: p.Asp986fs; shifts the reading frame from aspartic acid 986.
Molecular consequence: frameshift variant. On other transcripts: non-coding transcript variant (1).
Genome position (GRCh38, 1-based): chrX:45,076,789, C duplicated; the last of 2 consecutive C bases (chrX:45,076,788-45,076,789); duplicating either gives the same sequence. VCF-style (leftmost placement, unchanged base first): chrX-45076787-G-GC. GRCh37 (hg19) VCF-style: chrX-44936032-G-GC.
Other names: c.2816dup, p.Asp941fs (NM_001291416.2, NM_001419811.1); c.2660dup, p.Asp889fs (NM_001291417.2); c.2558dup, p.Asp855fs (NM_001291418.2, NM_001419815.1); c.1907dup, p.Asp638fs (NM_001291421.2); c.2693dup, p.Asp900fs (NM_001410742.1, NM_001419814.1); c.2951dup, p.Asp986fs (NM_001419809.1); c.2849dup, p.Asp952fs (NM_001419810.1, NM_001419813.1); c.2795dup, p.Asp934fs (NM_001419812.1, NM_021140.4); short protein forms D638fs, D855fs, D889fs, D900fs, D934fs, D941fs, D952fs, D986fs.
Identifiers: ClinVar variation 4796549 (VCV004796549.1).
Genomic context (GRCh38, chrX:45,076,787, plus strand): 5'-TAGCATTTTGTTGGATAAATGTCCACCTCCAAGACCACCATCTTCACCATACCCTCCCTT[G>GC]CCAAAGGACAAGTTGAATCCACCTACACCTAGTATTTACGTGAGTCTGAATTGACTGACT-3'